The following is an entry in ClinVar:

NM_001330078.2(NRXN1):c.1784G>A (p.Arg595His)

Gene: NRXN1 (neurexin 1; minus strand). Cytogenetic location: 2p16.3.
Variant type: single nucleotide variant.
Coding change: c.1784G>A on transcript NM_001330078.2 (MANE Select); coding-DNA position 1784, G replaced by A.
Protein change: p.Arg595His; replaces arginine 595 with histidine.
Molecular consequence: missense variant.
Genome position (GRCh38, 1-based): chr2:50,538,612, C>T on the plus strand (G>A on the coding strand, the complement: NRXN1 is on the minus strand). VCF-style: chr2-50538612-C-T. GRCh37 (hg19) VCF-style: chr2-50765750-C-T.
Other names: c.1904G>A, p.Arg635His (NM_001135659.3); c.1760G>A, p.Arg587His (NM_001330077.2, NM_001330082.2, NM_001330095.2); c.1745G>A, p.Arg582His (NM_001330083.2, NM_001330084.2); c.1784G>A, p.Arg595His (NM_001330085.2, NM_001330086.2, NM_004801.6); c.1700G>A, p.Arg567His (NM_001330087.2, NM_001330096.2); c.1730G>A, p.Arg577His (NM_001330088.2); c.1781G>A, p.Arg594His (NM_001330093.2); c.1772G>A, p.Arg591His (NM_001330094.2); short protein forms R635H, R567H, R587H, R594H, R595H, R577H, R582H, R591H.
Identifiers: ClinVar variation 423467 (VCV000423467.10), dbSNP rs761279630, ClinGen allele CA1654974.

ClinVar aggregate classification (germline): Uncertain significance. Review status: criteria provided, multiple submitters, no conflicts (2 of 4 stars). 4 submissions from 4 submitters: Uncertain significance (4). Last evaluated 2025-12-26.

Conditions:
Inborn genetic diseases. Identifiers: MedGen C0950123, MeSH D030342.
Pitt-Hopkins-like syndrome 2 (PTHSL2). Identifiers: Orphanet 221150, Orphanet 600663, MedGen C3280479, MONDO:0013690, OMIM 614325.
Chromosome 2p16.3 deletion syndrome. Identifiers: MedGen C3808494, MONDO:0013696, OMIM 614332.

Allele frequency attached by ClinVar (database versions not stated): ExAC 0.00001; gnomAD 0.00001; TOPMed 0.00001; gnomAD exomes 0.00002.
gnomAD v4.1: 12 of 1,498,704 alleles (0.0008%); highest among the groups gnomAD compares: East Asian, 0.0046%; no homozygotes.

Submissions (4):

Labcorp Genetics (formerly Invitae), Labcorp
Classification: Uncertain significance for Pitt-Hopkins-like syndrome 2. Last evaluated: 2025-12-26. Review status: criteria provided, single submitter. Criteria: Invitae Variant Classification Sherloc (09022015). Collection method: clinical testing. Allele origin: germline.
Comment: This sequence change replaces arginine, which is basic and polar, with histidine, which is basic and polar, at codon 635 of the NRXN1 protein (p.Arg635His). This variant is present in population databases (rs761279630, gnomAD 0.01%). This variant has not been reported in the literature in individuals affected with NRXN1-related conditions. ClinVar contains an entry for this variant (Variation ID: 423467). An algorithm developed to predict the effect of missense changes on protein structure and function (PolyPhen-2) suggests that this variant is likely to be disruptive. In summary, the available evidence is currently insufficient to determine the role of this variant in disease. Therefore, it has been classified as a Variant of Uncertain Significance.

Ambry Genetics
Classification: Uncertain significance for Inborn genetic diseases. Last evaluated: 2024-10-07. Review status: criteria provided, single submitter. Criteria: Ambry Variant Classification Scheme 2023. Collection method: clinical testing. Allele origin: germline.

Fulgent Genetics
Classification: Uncertain significance for Pitt-Hopkins-like syndrome 2; Chromosome 2p16.3 deletion syndrome. Last evaluated: 2018-10-31. Review status: criteria provided, single submitter. Criteria: ACMG Guidelines, 2015. Collection method: clinical testing. Allele origin: unknown.

GeneDx
Classification: Uncertain significance. Last evaluated: 2017-02-13. Review status: criteria provided, single submitter. Criteria: GeneDx Variant Classification (06012015). Collection method: clinical testing. Allele origin: germline. Affected: yes.
Comment: A variant of uncertain significance has been identified in the NRXN1 gene. The R635H variant has not been published as a pathogenic variant, nor has it been reported as a benign variant to our knowledge. The R635H variant is not observed at a significant frequency in large population cohorts (Lek et al., 2016; 1000 Genomes Consortium et al., 2015; Exome Variant Server). This substitution occurs at a position that is conserved across species. However, the R635H variant is a conservative amino acid substitution, which is not likely to impact secondary protein structure as these residues share similar properties. In silico analysis is inconsistent in its predictions as to whether or not the variant is damaging to the protein structure/function. Therefore, based on the currently available information, it is unclear whether this variant is a pathogenic variant or a rare benign variant.